The following is an entry in ClinVar:

ClinVar aggregate classification (germline): Uncertain significance (1 of 4 stars; one submission).

Submission:

Labcorp Genetics (formerly Invitae), Labcorp
Classification: Uncertain significance. Last evaluated: 2025-08-18. Review status: criteria provided, single submitter. Criteria: Invitae Variant Classification Sherloc (09022015). Collection method: clinical testing. Allele origin: germline.
Comment: This sequence change replaces alanine, which is neutral and non-polar, with valine, which is neutral and non-polar, at codon 106 of the SH3KBP1 protein (p.Ala106Val). This variant is not present in population databases (gnomAD no frequency). This variant has not been reported in the literature in individuals affected with SH3KBP1-related conditions. Invitae Evidence Modeling of protein sequence and biophysical properties (such as structural, functional, and spatial information, amino acid conservation, physicochemical variation, residue mobility, and thermodynamic stability) indicates that this missense variant is not expected to disrupt SH3KBP1 protein function with a negative predictive value of 80%. In summary, the available evidence is currently insufficient to determine the role of this variant in disease. Therefore, it has been classified as a Variant of Uncertain Significance.

NM_031892.3(SH3KBP1):c.317C>T (p.Ala106Val)

Gene: SH3KBP1 (SH3 domain containing kinase binding protein 1; minus strand). Cytogenetic location: Xp22.12.
Variant type: single nucleotide variant.
Coding change: c.317C>T on transcript NM_031892.3 (MANE Select); coding-DNA position 317, C replaced by T.
Protein change: p.Ala106Val; replaces alanine 106 with valine.
Molecular consequence: missense variant.
Genome position (GRCh38, 1-based): chrX:19,706,954, G>A on the plus strand (C>T on the coding strand, the complement: SH3KBP1 is on the minus strand). VCF-style: chrX-19706954-G-A. GRCh37 (hg19) VCF-style: chrX-19725072-G-A.
Other names: c.206C>T, p.Ala69Val (NM_001024666.3); c.317C>T, p.Ala106Val (NM_001353890.2, NM_001353891.2, NM_001353892.2 and 2 more transcripts); c.140C>T, p.Ala47Val (NM_001353893.2, NM_001353894.2, NM_001353895.2 and 1 more transcripts); short protein forms A106V, A69V, A47V.
Identifiers: ClinVar variation 4741883 (VCV004741883.1).